The following is an entry in ClinVar:

ClinVar aggregate classification (germline): Conflicting classifications of pathogenicity. Review status: criteria provided, conflicting classifications (1 of 4 stars). 5 submissions from 5 submitters: Uncertain significance (1); Likely benign (3). 1 of the submissions does not count toward it. Last evaluated 2026-01-29.

Conditions:
Cohen syndrome (COH1). Also called: Cutis verticis gyrata, retinitis pigmentosa, and sensorineural deafness; PEPPER SYNDROME. Identifiers: Orphanet 193, MedGen C0265223, MONDO:0008999, OMIM 216550.
VPS13B-related disorder. Also called: VPS13B-related condition.

Allele frequency attached by ClinVar (database versions not stated): TOPMed 0.00006; ESP Exome Variant Server 0.00015; ExAC 0.00002; gnomAD exomes 0.00004; gnomAD 0.00005.
gnomAD v4.1: 70 of 1,614,110 alleles (0.0043%); highest among the groups gnomAD compares: Admixed American, 0.017%; no homozygotes.

Submissions (5):

Labcorp Genetics (formerly Invitae), Labcorp
Classification: Likely benign for Cohen syndrome. Last evaluated: 2026-01-29. Review status: criteria provided, single submitter. Criteria: Invitae Variant Classification Sherloc (09022015). Collection method: clinical testing. Allele origin: germline.

CeGaT Center for Human Genetics Tuebingen
Classification: Likely benign. Last evaluated: 2025-03-01. Review status: criteria provided, single submitter. Criteria: CeGaT Center For Human Genetics Tuebingen Variant Classification Criteria Version 2. Collection method: clinical testing. Allele origin: germline. Affected: yes. Observed: 2 variant alleles.
Comment: VPS13B: BP4, BP7

Blueprint Genetics
Classification: Likely benign. Last evaluated: 2024-10-25. Review status: criteria provided, single submitter. Criteria: ACMG Guidelines, 2015. Collection method: clinical testing. Allele origin: germline.

Genetic Services Laboratory, University of Chicago
Classification: Uncertain significance. Last evaluated: 2017-04-10. Review status: criteria provided, single submitter. Criteria: ACMG Guidelines, 2015. Collection method: clinical testing. Allele origin: germline. Affected: no.

PreventionGenetics, part of Exact Sciences
Classification: Likely benign for VPS13B-related condition. Last evaluated: 2023-09-29. Review status: no assertion criteria provided. Collection method: clinical testing. Allele origin: germline. Not counted in ClinVar's aggregate classification.
Comment: This variant is classified as likely benign based on ACMG/AMP sequence variant interpretation guidelines (Richards et al. 2015 PMID: 25741868, with internal and published modifications).

NM_152564.5(VPS13B):c.10626G>A (p.Val3542=)

Gene: VPS13B (vacuolar protein sorting 13 homolog B; plus strand). Cytogenetic location: 8q22.2.
Variant type: single nucleotide variant.
Coding change: c.10626G>A on transcript NM_152564.5 (MANE Select); coding-DNA position 10626, G replaced by A.
Protein change: p.Val3542=; no amino-acid change (valine 3542 retained).
Molecular consequence: synonymous variant.
Genome position (GRCh38, 1-based): chr8:99,854,015, G>A. VCF-style: chr8-99854015-G-A. GRCh37 (hg19) VCF-style: chr8-100866243-G-A.
Other names: c.10626G>A (NM_152564.4); c.10701G>A, p.Val3567= (NM_017890.5).
Identifiers: ClinVar variation 437250 (VCV000437250.40), dbSNP rs139227281, ClinGen allele CA4824984.